The following is an entry in ClinVar:

NM_002156.5(HSPD1):c.697A>C (p.Lys233Gln)

Gene: HSPD1 (heat shock protein family D (Hsp60) member 1; minus strand). Cytogenetic location: 2q33.1.
Variant type: single nucleotide variant.
Coding change: c.697A>C on transcript NM_002156.5 (MANE Select); coding-DNA position 697, A replaced by C.
Protein change: p.Lys233Gln; replaces lysine 233 with glutamine.
Molecular consequence: missense variant.
Genome position (GRCh38, 1-based): chr2:197,494,160, T>G on the plus strand (A>C on the coding strand, the complement: HSPD1 is on the minus strand). VCF-style: chr2-197494160-T-G. GRCh37 (hg19) VCF-style: chr2-198358884-T-G.
Other names: c.697A>C, p.Lys233Gln (NM_199440.2); short protein forms K233Q.
Identifiers: ClinVar variation 219557 (VCV000219557.7), dbSNP rs864622156, ClinGen allele CA349801.

ClinVar aggregate classification (germline): Uncertain significance (1 of 4 stars; one submission).

Conditions:
Spastic paraplegia. Identifiers: MedGen C0037772, HP:0001258.

Submission:

Labcorp Genetics (formerly Invitae), Labcorp
Classification: Uncertain significance for Spastic paraplegia. Last evaluated: 2015-07-18. Review status: criteria provided, single submitter. Criteria: Invitae Variant Classification Sherloc (09022015). Collection method: clinical testing. Allele origin: germline.
Comment: Algorithms developed to predict the effect of missense changes on protein structure and function do not agree on the potential impact of this missense change (SIFT: "Tolerated"; PolyPhen-2: "Probably Damaging"; Align-GVGD: "Class C0"). In summary, this is a novel missense change with uncertain impact on protein function. It has been classified as a Variant of Uncertain Significance. This variant has not been published in the literature and is not present in population databases. This sequence change replaces lysine with glutamine at codon 233 of the HSPD1 protein (p.Lys233Gln). The lysine residue is moderately conserved and there is a small physicochemical difference between lysine and glutamine.